The following is an entry in ClinVar:

ClinVar aggregate classification (germline): Uncertain significance (1 of 4 stars; one submission).

Submission:

Labcorp Genetics (formerly Invitae), Labcorp
Classification: Uncertain significance. Last evaluated: 2022-06-26. Review status: criteria provided, single submitter. Criteria: Invitae Variant Classification Sherloc (09022015). Collection method: clinical testing. Allele origin: germline.
Comment: In summary, the available evidence is currently insufficient to determine the role of this variant in disease. Therefore, it has been classified as a Variant of Uncertain Significance. This sequence change replaces methionine, which is neutral and non-polar, with valine, which is neutral and non-polar, at codon 318 of the ARHGAP24 protein (p.Met318Val). Algorithms developed to predict the effect of missense changes on protein structure and function are either unavailable or do not agree on the potential impact of this missense change (SIFT: "Deleterious"; PolyPhen-2: "Benign"; Align-GVGD: "Class C0"). This variant is not present in population databases (gnomAD no frequency). This variant has not been reported in the literature in individuals affected with ARHGAP24-related conditions.

NM_001025616.3(ARHGAP24):c.952A>G (p.Met318Val)

Gene: ARHGAP24 (Rho GTPase activating protein 24; plus strand). Cytogenetic location: 4q21.23.
Variant type: single nucleotide variant.
Coding change: c.952A>G on transcript NM_001025616.3 (MANE Select); coding-DNA position 952, A replaced by G.
Protein change: p.Met318Val; replaces methionine 318 with valine.
Molecular consequence: missense variant.
Genome position (GRCh38, 1-based): chr4:85,994,606, A>G. VCF-style: chr4-85994606-A-G. GRCh37 (hg19) VCF-style: chr4-86915759-A-G.
Other names: c.667A>G, p.Met223Val (NM_001042669.2); c.697A>G, p.Met233Val (NM_001287805.2); c.373A>G, p.Met125Val (NM_001346093.2); c.673A>G, p.Met225Val (NM_031305.3); short protein forms M318V, M125V, M233V, M223V, M225V.
Identifiers: ClinVar variation 2011144 (VCV002011144.4), dbSNP rs2546207129, ClinGen allele CA357573835.